The following is an entry in ClinVar:

ClinVar aggregate classification (germline): Conflicting classifications of pathogenicity. Review status: criteria provided, conflicting classifications (1 of 4 stars). 11 submissions from 11 submitters: Uncertain significance (7); Likely benign (2). 2 of the submissions do not count toward it. Last evaluated 2026-08-20.

Conditions:
Dilated cardiomyopathy 1G (CMD1G). Identifiers: Orphanet 154, MedGen C1858763, MONDO:0011400, OMIM 604145.
Autosomal recessive limb-girdle muscular dystrophy type 2J (LGMDR10). Also called: Limb-girdle muscular dystrophy, type 2J; MUSCULAR DYSTROPHY, LIMB-GIRDLE, AUTOSOMAL RECESSIVE 10. Identifiers: Orphanet 140922, MedGen C1837342, MONDO:0012127, OMIM 608807.
TTN-related disorder. Also called: TTN-related condition; TTN-related disease; TTN-related disorders.

Allele frequency attached by ClinVar (database versions not stated): gnomAD 0.00004; gnomAD exomes 0.00004 and 0.00006; TOPMed 0.00004; ExAC 0.00005; ESP Exome Variant Server 0.00008; 1000 Genomes Project 0.00020; 1000 Genomes Project 30x 0.00031.
gnomAD v4.1: 86 of 1,614,062 alleles (0.0053%); highest among the groups gnomAD compares: Non-Finnish European, 0.0069%; no homozygotes.

Submissions (11):

PreventionGenetics, part of Exact Sciences
Classification: Uncertain significance for TTN-related condition. Last evaluated: 2026-08-20. Review status: criteria provided, single submitter. Criteria: ACMG Guidelines, 2015. Collection method: clinical testing. Allele origin: germline.
Comment: The TTN c.5264A>G variant is predicted to result in the amino acid substitution p.Asn1755Ser. This variant has been reported in an individual with dilated cardiomyopathy (Table S3, Mazzarotto et al. 2020. PubMed ID: 31983221). It has also been reported in an individual with hypertrophic cardiomyopathy (referred to as c.5126A>G, p.Asn1709Ser in an alternate transcript NM_003319 in Table S1, Lopes et al. 2013. PubMed ID: 23396983). This variant is reported in 0.0085% of alleles in individuals of European (Non-Finnish) descent in gnomAD. At this time, the clinical significance of this variant is uncertain due to the absence of conclusive functional and genetic evidence.

Molecular Diagnostic Laboratory for Inherited Cardiovascular Disease, Montreal Heart Institute
Classification: Likely benign. Last evaluated: 2026-03-27. Review status: criteria provided, single submitter. Criteria: ACMG Guidelines, 2015. Collection method: clinical testing. Allele origin: germline. Affected: no.

Women's Health and Genetics/Laboratory Corporation of America, LabCorp
Classification: Uncertain significance. Last evaluated: 2025-06-02. Review status: criteria provided, single submitter. Criteria: LabCorp Variant Classification Summary - May 2015. Collection method: clinical testing. Allele origin: germline.
Comment: Variant summary: TTN c.5264A>G (p.Asn1755Ser) results in a conservative amino acid change in the encoded protein sequence. Algorithms developed to predict the effect of missense changes on protein structure and function are either unavailable or do not agree on the potential impact of this missense change. The variant allele was found at a frequency of 4e-05 in 250770 control chromosomes. This frequency is not significantly higher than estimated for a pathogenic variant in TTN causing Dilated Cardiomyopathy (4e-05 vs 0.00039), allowing no conclusion about variant significance. c.5264A>G has been observed in individual(s) affected with Dilated Cardiomyopathy and Hypertrophic Cardiomyopathy (Mazzarotto_2020, Lopes_2023, Boen_2024). These report(s) do not provide unequivocal conclusions about association of the variant with Dilated Cardiomyopathy. To our knowledge, no experimental evidence demonstrating an impact on protein function has been reported. This variant is also known as c.5126A>G (p.N1709S). The following publications have been ascertained in the context of this evaluation (PMID: 38689299, 23396983, 31983221). ClinVar contains an entry for this variant (Variation ID: 192083). Based on the evidence outlined above, the variant was classified as uncertain significance.

Revvity Omics, Revvity
Classification: Uncertain significance. Last evaluated: 2022-01-11. Review status: criteria provided, single submitter. Criteria: ACMG Guidelines, 2015. Collection method: clinical testing. Allele origin: germline.

GeneDx
Classification: Likely benign. Last evaluated: 2018-10-17. Review status: criteria provided, single submitter. Criteria: GeneDx Variant Classification Process June 2021. Collection method: clinical testing. Allele origin: germline. Affected: yes.
Comment: This variant is associated with the following publications: (PMID: 23861362, 31983221)

Eurofins Ntd Llc (ga)
Classification: Uncertain significance. Last evaluated: 2018-08-17. Review status: criteria provided, single submitter. Criteria: EGL ClinVar v180209 classification definitions. Collection method: clinical testing. Allele origin: germline. Observed: 2 variant alleles, 2 heterozygotes.

Athena Diagnostics
Classification: Uncertain significance. Last evaluated: 2016-12-15. Review status: criteria provided, single submitter. Criteria: Athena Diagnostics Criteria. Collection method: clinical testing. Allele origin: germline.

Labcorp Genetics (formerly Invitae), Labcorp
Classification: Uncertain significance for Dilated cardiomyopathy 1G; Autosomal recessive limb-girdle muscular dystrophy type 2J. Last evaluated: 2016-08-24. Review status: criteria provided, single submitter. Criteria: Invitae Variant Classification Sherloc (09022015). Collection method: clinical testing. Allele origin: germline.

Biesecker Lab/Clinical Genomics Section, National Institutes of Health
Classification: Uncertain significance. Last evaluated: 2013-06-24. Review status: criteria provided, single submitter. Criteria: Ng et al. (Circ Cardiovasc Genet. 2013). Collection method: research. Allele origin: unknown. Observed: 1 variant allele. Study: ClinSeq.
Comment: The study set was not selected for affection status in relation to any cancer. Pathogenicity categories were based on literature curation. See Pubmed ID:23861362 for details.

Medical sequencing

Clinical Genetics, Academic Medical Center
Classification: Uncertain significance. Review status: no assertion criteria provided. Collection method: clinical testing. Allele origin: germline. Affected: yes. Study: VKGL Data-share Consensus. Not counted in ClinVar's aggregate classification.

Diagnostic Laboratory, Department of Genetics, University Medical Center Groningen
Classification: Uncertain significance. Review status: no assertion criteria provided. Collection method: clinical testing. Allele origin: germline. Affected: yes. Study: VKGL Data-share Consensus. Not counted in ClinVar's aggregate classification.

Literature cited by the submitters: PubMed 23396983 (cited by Women's Health and Genetics/Laboratory Corporation of America, LabCorp and Athena Diagnostics); PubMed 31983221 (cited by Women's Health and Genetics/Laboratory Corporation of America, LabCorp); PubMed 38689299 (cited by Women's Health and Genetics/Laboratory Corporation of America, LabCorp); PubMed 23861362 (cited by Athena Diagnostics).

NM_001267550.2(TTN):c.5264A>G (p.Asn1755Ser)

Gene: TTN (titin; minus strand). Cytogenetic location: 2q31.2.
Variant type: single nucleotide variant.
Coding change: c.5264A>G on transcript NM_001267550.2 (MANE Select); coding-DNA position 5264, A replaced by G.
Protein change: p.Asn1755Ser; replaces asparagine 1755 with serine.
Molecular consequence: missense variant.
Genome position (GRCh38, 1-based): chr2:178,776,600, T>C on the plus strand (A>G on the coding strand, the complement: TTN is on the minus strand). VCF-style: chr2-178776600-T-C. GRCh37 (hg19) VCF-style: chr2-179641327-T-C.
Other names: c.5264A>G, p.Asn1755Ser (NM_001256850.1, NM_133378.4, NM_133379.5); c.5126A>G, p.Asn1709Ser (NM_003319.4, NM_133432.3, NM_133437.4); short protein forms N1755S, N1709S.
Identifiers: ClinVar variation 192083 (VCV000192083.27), dbSNP rs201904897, ClinGen allele CA238284.